The following is an entry in ClinVar:

NM_005120.3(MED12):c.3691+9G>A

Gene: MED12 (mediator complex subunit 12; plus strand). Cytogenetic location: Xq13.1.
Variant type: single nucleotide variant.
Coding change: c.3691+9G>A on transcript NM_005120.3 (MANE Select); 9 bases into the intron after coding-DNA position 3691, G replaced by A.
Molecular consequence: intron variant.
Genome position (GRCh38, 1-based): chrX:71,129,438, G>A. VCF-style: chrX-71129438-G-A. GRCh37 (hg19) VCF-style: chrX-70349288-G-A.
Other names: c.3691+9G>A (NM_005120.2).
Identifiers: ClinVar variation 2064764 (VCV002064764.6), dbSNP rs376612314, ClinGen allele CA10444529.

ClinVar aggregate classification (germline): Likely benign. Review status: criteria provided, single submitter (1 of 4 stars). 2 submissions from 2 submitters: Likely benign (1). 1 of the submissions does not count toward it. Last evaluated 2025-03-24.

Conditions:
MED12-Related Disorders. Also called: MED12-related condition; MED12-related disorder. Identifiers: MedGen CN381102.
FG syndrome (FGS). Identifiers: MedGen C0220769, MONDO:0002010.

Allele frequency attached by ClinVar (database versions not stated): ExAC 0.00001; gnomAD exomes 0.00001; TOPMed 0.00002; gnomAD 0.00003; ESP Exome Variant Server 0.00010.
gnomAD v4.1: 13 of 1,142,410 alleles (0.0011%); highest among the groups gnomAD compares: Admixed American, 0.0022%; no homozygotes.

Submissions (2):

Labcorp Genetics (formerly Invitae), Labcorp
Classification: Likely benign for FG syndrome. Last evaluated: 2025-03-24. Review status: criteria provided, single submitter. Criteria: Invitae Variant Classification Sherloc (09022015). Collection method: clinical testing. Allele origin: germline.

PreventionGenetics, part of Exact Sciences
Classification: Likely benign for MED12-related condition. Last evaluated: 2023-01-31. Review status: no assertion criteria provided. Collection method: clinical testing. Allele origin: germline. Not counted in ClinVar's aggregate classification.
Comment: This variant is classified as likely benign based on ACMG/AMP sequence variant interpretation guidelines (Richards et al. 2015 PMID: 25741868, with internal and published modifications).